The following is an entry in ClinVar:

NM_001099274.3(TINF2):c.524G>C (p.Ser175Thr)

Gene: TINF2 (TERF1 interacting nuclear factor 2; minus strand). Cytogenetic location: 14q12.
Variant type: single nucleotide variant.
Coding change: c.524G>C on transcript NM_001099274.3 (MANE Select); coding-DNA position 524, G replaced by C.
Protein change: p.Ser175Thr; replaces serine 175 with threonine.
Molecular consequence: missense variant.
Genome position (GRCh38, 1-based): chr14:24,241,100, C>G on the plus strand (G>C on the coding strand, the complement: TINF2 is on the minus strand). VCF-style: chr14-24241100-C-G. GRCh37 (hg19) VCF-style: chr14-24710306-C-G.
Other names: c.419G>C, p.Ser140Thr (NM_001363668.2); c.524G>C, p.Ser175Thr (NM_012461.3); short protein forms S175T, S140T.
Identifiers: ClinVar variation 4721883 (VCV004721883.1).

ClinVar aggregate classification (germline): Uncertain significance (1 of 4 stars; one submission).

Conditions:
Dyskeratosis congenita. Identifiers: Orphanet 1775, MedGen C0265965, MONDO:0015780.

Submission:

Labcorp Genetics (formerly Invitae), Labcorp
Classification: Uncertain significance for Dyskeratosis congenita. Last evaluated: 2025-06-22. Review status: criteria provided, single submitter. Criteria: Invitae Variant Classification Sherloc (09022015). Collection method: clinical testing. Allele origin: germline.
Comment: This sequence change replaces serine, which is neutral and polar, with threonine, which is neutral and polar, at codon 175 of the TINF2 protein (p.Ser175Thr). This variant is present in population databases (rs763777082, gnomAD 0.003%). This variant has not been reported in the literature in individuals affected with TINF2-related conditions. An algorithm developed to predict the effect of missense changes on protein structure and function outputs the following: PolyPhen-2: "Benign". The threonine amino acid residue is found in multiple mammalian species, which suggests that this missense change does not adversely affect protein function. In summary, the available evidence is currently insufficient to determine the role of this variant in disease. Therefore, it has been classified as a Variant of Uncertain Significance.